The following is an entry in ClinVar:

ClinVar aggregate classification (germline): Uncertain significance (1 of 4 stars; one submission).

Allele frequency attached by ClinVar (database versions not stated): gnomAD 0.00001; TOPMed 0.00002; 1000 Genomes Project 30x 0.00016; 1000 Genomes Project 0.00020.
gnomAD v4.1: 55 of 1,612,466 alleles (0.0034%); highest among the groups gnomAD compares: South Asian, 0.0044%; no homozygotes.

Submission:

Labcorp Genetics (formerly Invitae), Labcorp
Classification: Uncertain significance. Last evaluated: 2025-02-02. Review status: criteria provided, single submitter. Criteria: Invitae Variant Classification Sherloc (09022015). Collection method: clinical testing. Allele origin: germline.
Comment: This sequence change replaces arginine, which is basic and polar, with histidine, which is basic and polar, at codon 311 of the C9 protein (p.Arg311His). This variant is present in population databases (rs546890218, gnomAD 0.01%). This variant has not been reported in the literature in individuals affected with C9-related conditions. ClinVar contains an entry for this variant (Variation ID: 1448188). Invitae Evidence Modeling of protein sequence and biophysical properties (such as structural, functional, and spatial information, amino acid conservation, physicochemical variation, residue mobility, and thermodynamic stability) indicates that this missense variant is expected to disrupt C9 protein function with a positive predictive value of 80%. In summary, the available evidence is currently insufficient to determine the role of this variant in disease. Therefore, it has been classified as a Variant of Uncertain Significance.

NM_001737.5(C9):c.932G>A (p.Arg311His)

Gene: C9 (complement C9; minus strand). Cytogenetic location: 5p13.1.
Variant type: single nucleotide variant.
Coding change: c.932G>A on transcript NM_001737.5 (MANE Select); coding-DNA position 932, G replaced by A.
Protein change: p.Arg311His; replaces arginine 311 with histidine.
Molecular consequence: missense variant.
Genome position (GRCh38, 1-based): chr5:39,311,316, C>T on the plus strand (G>A on the coding strand, the complement: C9 is on the minus strand). VCF-style: chr5-39311316-C-T. GRCh37 (hg19) VCF-style: chr5-39311418-C-T.
Other names: short protein forms R311H.
Identifiers: ClinVar variation 1448188 (VCV001448188.4), dbSNP rs546890218, ClinGen allele CA3246846.